The following is an entry in ClinVar:

ClinVar aggregate classification (germline): Uncertain significance. Review status: criteria provided, multiple submitters, no conflicts (2 of 4 stars). 2 submissions from 2 submitters: Uncertain significance (2). Last evaluated 2025-04-24.

gnomAD v4.1: 1 of 1,614,036 alleles (0.000062%); highest among the groups gnomAD compares: Non-Finnish European, 0.000085%; no homozygotes.

Submissions (2):

Labcorp Genetics (formerly Invitae), Labcorp
Classification: Uncertain significance. Last evaluated: 2025-04-24. Review status: criteria provided, single submitter. Criteria: Invitae Variant Classification Sherloc (09022015). Collection method: clinical testing. Allele origin: germline.
Comment: This sequence change replaces aspartic acid, which is acidic and polar, with glutamic acid, which is acidic and polar, at codon 1359 of the CELSR2 protein (p.Asp1359Glu). This variant is not present in population databases (gnomAD no frequency). This variant has not been reported in the literature in individuals affected with CELSR2-related conditions. ClinVar contains an entry for this variant (Variation ID: 3683305). Invitae Evidence Modeling of protein sequence and biophysical properties (such as structural, functional, and spatial information, amino acid conservation, physicochemical variation, residue mobility, and thermodynamic stability) indicates that this missense variant is not expected to disrupt CELSR2 protein function with a negative predictive value of 80%. In summary, the available evidence is currently insufficient to determine the role of this variant in disease. Therefore, it has been classified as a Variant of Uncertain Significance.

Ambry Genetics
Classification: Uncertain significance. Last evaluated: 2025-04-20. Review status: criteria provided, single submitter. Criteria: Ambry Variant Classification Scheme 2023. Collection method: clinical testing. Allele origin: germline.

NM_001408.3(CELSR2):c.4077C>A (p.Asp1359Glu)

Gene: CELSR2 (cadherin EGF LAG seven-pass G-type receptor 2; plus strand). Cytogenetic location: 1p13.3.
Variant type: single nucleotide variant.
Coding change: c.4077C>A on transcript NM_001408.3 (MANE Select); coding-DNA position 4077, C replaced by A.
Protein change: p.Asp1359Glu; replaces aspartic acid 1359 with glutamic acid.
Molecular consequence: missense variant.
Genome position (GRCh38, 1-based): chr1:109,261,160, C>A. VCF-style: chr1-109261160-C-A. GRCh37 (hg19) VCF-style: chr1-109803782-C-A.
Other names: c.4077C>A (NM_001408.2); short protein forms D1359E.
Identifiers: ClinVar variation 3683305 (VCV003683305.3).
Genomic context (GRCh38, chr1:109,261,160, plus strand): 5'-TGGGGGCACCTGTGTCAACCTGCTGGTGGGCGGTTTCAAGTGCGATTGCCCATCTGGAGA[C>A]TTCGAGAAGCCCTACTGCCAGGTGACCACGCGCAGCTTCCCCGCCCACTCCTTCATCACC-3'
Protein context (NP_001399.1, residues 1349-1369): GGFKCDCPSG[Asp1359Glu]FEKPYCQVTT